The following is an entry in ClinVar:

NM_007294.4(BRCA1):c.4442C>G (p.Ala1481Gly)

Gene: BRCA1 (BRCA1 DNA repair associated; minus strand). Cytogenetic location: 17q21.31.
Variant type: single nucleotide variant.
Coding change: c.4442C>G on transcript NM_007294.4 (MANE Select); coding-DNA position 4442, C replaced by G.
Protein change: p.Ala1481Gly; replaces alanine 1481 with glycine.
Molecular consequence: missense variant. On other transcripts: intron variant (3).
Genome position (GRCh38, 1-based): chr17:43,076,530, G>C on the plus strand (C>G on the coding strand, the complement: BRCA1 is on the minus strand). VCF-style: chr17-43076530-G-C. GRCh37 (hg19) VCF-style: chr17-41228547-G-C.
Other names: c.4298C>G, p.Ala1433Gly (NM_001407733.1, NM_001407734.1, NM_001407735.1 and 21 more transcripts); c.4301C>G, p.Ala1434Gly (NM_001407731.1, NM_001407692.1, NM_001407694.1 and 13 more transcripts); c.4229C>G, p.Ala1410Gly (NM_001407571.1, NM_001407894.1, NM_001407895.1 and 12 more transcripts); c.4508C>G, p.Ala1503Gly (NM_001407581.1, NM_001407582.1); c.4505C>G, p.Ala1502Gly (NM_001407583.1, NM_001407585.1, NM_001407587.1 and 1 more transcripts); c.4502C>G, p.Ala1501Gly (NM_001407590.1, NM_001407591.1); c.4439C>G, p.Ala1480Gly (NM_001407612.1, NM_001407613.1, NM_001407614.1 and 17 more transcripts); c.4436C>G, p.Ala1479Gly (NM_001407627.1, NM_001407628.1, NM_001407629.1 and 14 more transcripts); and 71 more; short protein forms A1184G, A1185G, A1312G, A1352G, A1353G, A1354G, A1368G, A1369G.
Identifiers: ClinVar variation 4856539 (VCV004856539.1).

ClinVar aggregate classification (germline): Likely benign (1 of 4 stars; one submission).

Conditions:
Breast-ovarian cancer, familial, susceptibility to, 1 (BROVCA1). Also called: OVARIAN CANCER, SUSCEPTIBILITY TO; BRCA1 Hereditary Breast and Ovarian Cancer. Identifiers: Orphanet 145, MedGen C2676676, MONDO:0011450, OMIM 604370. Disease mechanism: loss of function.

gnomAD v4.1: 1 of 1,613,654 alleles (0.000062%); highest among the groups gnomAD compares: South Asian, 0.0011%; no homozygotes.

Submission:

Cancer Bioinformatics and Tumour Evolution Laboratory, Monash University
Classification: Likely benign for Breast-ovarian cancer, familial, susceptibility to, 1. Last evaluated: 2026-05-01. Review status: criteria provided, single submitter. Criteria: ClinGen BRCA1 and BRCA2 Guidelines, 2024. Collection method: curation. Allele origin: germline. Inheritance: Autosomal dominant inheritance.
Comment: Missense variant outside of a functional domain with no splice impact. BRCA1 and BRCA2 VCEP guidelines recommend application of BP1_Strong (PMID: 39142283)